The following is an entry in ClinVar:

ClinVar aggregate classification (germline): Uncertain significance (1 of 4 stars; one submission).

Conditions:
Developmental and epileptic encephalopathy, 53. Also called: Epileptic encephalopathy, early infantile, 53. Identifiers: MedGen C4479313, MONDO:0033362, OMIM 617389.
Early-onset Parkinson disease 20. Also called: PARKINSON DISEASE 20, AUTOSOMAL RECESSIVE EARLY-ONSET. Identifiers: Orphanet 391411, MedGen C3809824, MONDO:0014233, OMIM 615530.

Allele frequency attached by ClinVar (database versions not stated): ExAC 0.00001; gnomAD exomes 0.00001; TOPMed 0.00005; gnomAD 0.00007 and 0.00008; ESP Exome Variant Server 0.00008.
gnomAD v4.1: 14 of 1,609,936 alleles (0.00087%); highest among the groups gnomAD compares: African/African-American, 0.019%; no homozygotes.

Submission:

Labcorp Genetics (formerly Invitae), Labcorp
Classification: Uncertain significance for Developmental and epileptic encephalopathy, 53; Early-onset Parkinson disease 20. Last evaluated: 2022-11-22. Review status: criteria provided, single submitter. Criteria: Invitae Variant Classification Sherloc (09022015). Collection method: clinical testing. Allele origin: germline.
Comment: This sequence change falls in intron 22 of the SYNJ1 gene. It does not directly change the encoded amino acid sequence of the SYNJ1 protein. It affects a nucleotide within the consensus splice site. In summary, the available evidence is currently insufficient to determine the role of this variant in disease. Therefore, it has been classified as a Variant of Uncertain Significance. Variants that disrupt the consensus splice site are a relatively common cause of aberrant splicing (PMID: 17576681, 9536098). Algorithms developed to predict the effect of sequence changes on RNA splicing suggest that this variant is not likely to affect RNA splicing. ClinVar contains an entry for this variant (Variation ID: 583130). This variant has not been reported in the literature in individuals affected with SYNJ1-related conditions. This variant is present in population databases (rs368204504, gnomAD 0.03%).

Literature cited by the submitters: PubMed 17576681; PubMed 9536098.

NM_203446.3(SYNJ1):c.2874+6G>A

Gene: SYNJ1 (synaptojanin 1; minus strand). Cytogenetic location: 21q22.11.
Variant type: single nucleotide variant.
Coding change: c.2874+6G>A on transcript NM_203446.3 (MANE Select); 6 bases into the intron after coding-DNA position 2874, G replaced by A.
Molecular consequence: intron variant.
Genome position (GRCh38, 1-based): chr21:32,653,282, C>T on the plus strand (G>A on the coding strand, the complement: SYNJ1 is on the minus strand). VCF-style: chr21-32653282-C-T. GRCh37 (hg19) VCF-style: chr21-34025592-C-T.
Other names: c.2991+6G>A (NM_003895.4); c.2874+6G>A (NM_001160302.2); c.2859+6G>A (NM_001160306.2).
Identifiers: ClinVar variation 583130 (VCV000583130.7), dbSNP rs368204504, ClinGen allele CA10003563.